The following is an entry in ClinVar:

NM_005619.5(RTN2):c.1022T>C (p.Met341Thr)

Genes: OPA3-RTN2 (OPA3-RTN2 readthrough; minus strand), RTN2 (reticulon 2; minus strand). Cytogenetic location: 19q13.32.
Variant type: single nucleotide variant.
Coding change: c.1022T>C on transcript NM_005619.5 (MANE Select); coding-DNA position 1022, T replaced by C.
Protein change: p.Met341Thr; replaces methionine 341 with threonine.
Molecular consequence: missense variant. On other transcripts: initiator codon variant (1), intron variant (1).
Genome position (GRCh38, 1-based): chr19:45,493,171, A>G on the plus strand (T>C on the coding strand, the complement: RTN2 is on the minus strand). VCF-style: chr19-45493171-A-G. GRCh37 (hg19) VCF-style: chr19-45996429-A-G.
Other names: c.2T>C, p.Met1Thr (NM_206901.3); c.814+995T>C (NM_206900.3); short protein forms M341T, M1T.
Identifiers: ClinVar variation 4742448 (VCV004742448.1).

ClinVar aggregate classification (germline): Uncertain significance (1 of 4 stars; one submission).

Conditions:
Spastic paraplegia. Identifiers: MedGen C0037772, HP:0001258.

Submission:

Labcorp Genetics (formerly Invitae), Labcorp
Classification: Uncertain significance for Spastic paraplegia. Last evaluated: 2025-08-20. Review status: criteria provided, single submitter. Criteria: Invitae Variant Classification Sherloc (09022015). Collection method: clinical testing. Allele origin: germline.
Comment: This sequence change replaces methionine, which is neutral and non-polar, with threonine, which is neutral and polar, at codon 341 of the RTN2 protein (p.Met341Thr). This variant is not present in population databases (gnomAD no frequency). This variant has not been reported in the literature in individuals affected with RTN2-related conditions. This missense change has been observed in at least one individual who was not affected with RTN2-related conditions (internal data). An algorithm developed to predict the effect of missense changes on protein structure and function (PolyPhen-2) suggests that this variant is likely to be tolerated. In summary, the available evidence is currently insufficient to determine the role of this variant in disease. Therefore, it has been classified as a Variant of Uncertain Significance.